The following is an entry in ClinVar:

NM_004168.4(SDHA):c.1217T>C (p.Val406Ala)

Gene: SDHA (succinate dehydrogenase complex flavoprotein subunit A; plus strand). Cytogenetic location: 5p15.33.
Variant type: single nucleotide variant.
Coding change: c.1217T>C on transcript NM_004168.4 (MANE Select); coding-DNA position 1217, T replaced by C.
Protein change: p.Val406Ala; replaces valine 406 with alanine.
Molecular consequence: missense variant.
Genome position (GRCh38, 1-based): chr5:235,296, T>C. VCF-style: chr5-235296-T-C. GRCh37 (hg19) VCF-style: chr5-235411-T-C.
Other names: c.1073T>C, p.Val358Ala (NM_001294332.2); c.1217T>C, p.Val406Ala (NM_001330758.2); short protein forms V406A, V358A.
Identifiers: ClinVar variation 4787665 (VCV004787665.1).
Genomic context (GRCh38, chr5:235,296, plus strand): 5'-CAGCCATGATCTTCGCTGGCGTGGACGTCACGAAGGAGCCGATCCCTGTCCTCCCCACCG[T>C]GCATTATAACATGGGCGGCATTCCCACCAACTACAAGGGGCAGGTGATGGTGCTGGCTCC-3'
Protein context (NP_004159.2, residues 396-416): TKEPIPVLPT[Val406Ala]HYNMGGIPTN

ClinVar aggregate classification (germline): Uncertain significance (1 of 4 stars; one submission).

Conditions:
Mitochondrial complex II deficiency, nuclear type 1. Also called: SUCCINATE CoQ REDUCTASE DEFICIENCY. Identifiers: Orphanet 3208, MedGen C5700310, MONDO:0100294, OMIM 252011.
Pheochromocytoma/paraganglioma syndrome 5. Also called: Paragangliomas 5; SDHA-Related Hereditary Paraganglioma-Pheochromocytoma Syndrome. Identifiers: Orphanet 29072, MedGen C3279992, MONDO:0013602, OMIM 614165.

Submission:

Labcorp Genetics (formerly Invitae), Labcorp
Classification: Uncertain significance for Pheochromocytoma/paraganglioma syndrome 5; Mitochondrial complex II deficiency, nuclear type 1. Last evaluated: 2025-02-17. Review status: criteria provided, single submitter. Criteria: Invitae Variant Classification Sherloc (09022015). Collection method: clinical testing. Allele origin: germline.
Comment: This sequence change replaces valine, which is neutral and non-polar, with alanine, which is neutral and non-polar, at codon 406 of the SDHA protein (p.Val406Ala). This variant is not present in population databases (gnomAD no frequency). This variant has not been reported in the literature in individuals affected with SDHA-related conditions. Invitae Evidence Modeling of protein sequence and biophysical properties (such as structural, functional, and spatial information, amino acid conservation, physicochemical variation, residue mobility, and thermodynamic stability) indicates that this missense variant is not expected to disrupt SDHA protein function with a negative predictive value of 95%. In summary, the available evidence is currently insufficient to determine the role of this variant in disease. Therefore, it has been classified as a Variant of Uncertain Significance.